The following is an entry in ClinVar:

NM_001018005.2(TPM1):c.563+267G>A

Gene: TPM1 (tropomyosin 1; plus strand). Cytogenetic location: 15q22.2.
Variant type: single nucleotide variant.
Coding change: c.563+267G>A on transcript NM_001018005.2 (MANE Select); 267 bases into the intron after coding-DNA position 563, G replaced by A.
Molecular consequence: intron variant. On other transcripts: missense variant (6).
Genome position (GRCh38, 1-based): chr15:63,061,206, G>A. VCF-style: chr15-63061206-G-A. GRCh37 (hg19) VCF-style: chr15-63353405-G-A.
Other names: c.572G>A, p.Arg191Gln (NM_000366.6, NM_001018006.2, NM_001018020.2); c.464G>A, p.Arg155Gln (NM_001330344.2, NM_001330351.2, NM_001365781.2); c.689+267G>A (NM_001365778.1); c.563+267G>A (NM_001018007.2, NM_001365776.1, NM_001018004.2 and 3 more transcripts); c.455+267G>A (NM_001018008.2, NM_001301289.2, NM_001365782.1 and 2 more transcripts); c.572G>A (NM_001018020.1); short protein forms R191Q, R155Q.
Identifiers: ClinVar variation 520463 (VCV000520463.8), dbSNP rs141757680, ClinGen allele CA030296.

ClinVar aggregate classification (germline): Conflicting classifications of pathogenicity. Review status: criteria provided, conflicting classifications (1 of 4 stars). 4 submissions from 4 submitters: Uncertain significance (3); Likely benign (1). Last evaluated 2026-06-29.

Conditions:
Cardiomyopathy (CMYO). Also called: Cardiomyopathies. Identifiers: Orphanet 167848, MedGen C0878544, MONDO:0004994, HP:0001638. Inheritance: Various modes of inheritance.
TPM1-related disorder. Also called: TPM1-related condition.
Primary familial hypertrophic cardiomyopathy (HCM). Identifiers: Orphanet 99739, MedGen C0949658, MeSH D024741, MONDO:0024573. Inheritance: Various modes of inheritance.

Allele frequency attached by ClinVar (database versions not stated): ExAC 0.00002; gnomAD exomes 0.00003; TOPMed 0.00003; gnomAD 0.00004 and 0.00006; ESP Exome Variant Server 0.00008.
gnomAD v4.1: 35 of 1,614,012 alleles (0.0022%); highest among the groups gnomAD compares: African/African-American, 0.0053%; no homozygotes.

Submissions (4):

PreventionGenetics, part of Exact Sciences
Classification: Uncertain significance for TPM1-related condition. Last evaluated: 2026-06-29. Review status: criteria provided, single submitter. Criteria: ACMG Guidelines, 2015. Collection method: clinical testing. Allele origin: germline.
Comment: The TPM1 c.572G>A variant is predicted to result in the amino acid substitution p.Arg191Gln. This variant is also referred to as c.563+267G>A via the canonical transcript, NM_001018005.2, which is not predicted to impact splicing based on available splicing prediction programs (SpliceAI, Jaganathan et al. 2019. PubMed ID: 30661751). This variant has been reported in an individual with dilated cardiomyopathy, but family or functional studies were not reported to help assess the pathogenicity of this variant (Nagyova et al. 2019. PubMed ID: 30685992). This variant is reported in 0.0050% of alleles in individuals of East Asian descent in gnomAD. At this time, the clinical significance of this variant is uncertain due to the absence of conclusive functional and genetic evidence.

Blueprint Genetics
Classification: Uncertain significance. Last evaluated: 2021-03-05. Review status: criteria provided, single submitter. Criteria: ACMG Guidelines, 2015. Collection method: clinical testing. Allele origin: germline.

Color Diagnostics, LLC DBA Color Health
Classification: Likely benign for Cardiomyopathy. Last evaluated: 2019-06-01. Review status: criteria provided, single submitter. Criteria: ACMG Guidelines, 2015. Collection method: clinical testing. Allele origin: germline.

Molecular Diagnostic Laboratory for Inherited Cardiovascular Disease, Montreal Heart Institute
Classification: Uncertain significance for Primary familial hypertrophic cardiomyopathy. Last evaluated: 2016-07-07. Review status: criteria provided, single submitter. Criteria: ACMG Guidelines, 2015. Collection method: clinical testing. Allele origin: germline. Affected: yes.